The following is an entry in ClinVar:

NM_003764.4(STX11):c.687dup (p.Gln230fs)

Gene: STX11 (syntaxin 11; plus strand). Cytogenetic location: 6q24.2.
Variant type: Duplication.
Coding change: c.687dup on transcript NM_003764.4 (MANE Select); coding-DNA position 687, one base duplicated (G; older notation c.687dupG).
Protein change: p.Gln230fs; shifts the reading frame from glutamine 230.
Molecular consequence: frameshift variant.
Genome position (GRCh38, 1-based): chr6:144,187,314, G duplicated. VCF-style (leftmost placement, unchanged base first): chr6-144187313-T-TG. GRCh37 (hg19) VCF-style: chr6-144508450-T-TG.
Other names: c.687dup (LRG_113t1); c.687dupG (NM_003764.3); short protein forms Q230fs.
Identifiers: ClinVar variation 545749 (VCV000545749.2), dbSNP rs1554294422, ClinGen allele CA658822725.
Genomic context (GRCh38, chr6:144,187,313, plus strand): 5'-GCCGCCACCGCGAACTGCTGCGCCTGGAGAGCCGCATCCGCGACGTACACGAGCTCTTCT[T>TG]GCAGATGGCGGTGCTGGTGGAGAAGCAGGCCGACACCCTGAACGTCATCGAGCTCAACGT-3'

ClinVar aggregate classification (germline): Pathogenic (1 of 4 stars; one submission).

Allele frequency attached by ClinVar (database versions not stated): gnomAD exomes below 0.00001.

Submission:

GeneDx
Classification: Pathogenic. Last evaluated: 2018-05-29. Review status: criteria provided, single submitter. Criteria: GeneDx Variant Classification (06012015). Collection method: clinical testing. Allele origin: germline. Affected: yes.
Comment: The c.687dupG variant in the STX11 gene has been reported previously in the homozygous state in two unrelated individuals with FHL; note this variant is described as c.867dupG in this publication (Macartney et al., 2011). The c.687dupG variant causes a frameshift starting with codon Glutamine 230, changes this amino acid to a Alanine residue, and creates a premature Stop codon at position 125 of the new reading frame, denoted p.Gln230AlafsX125. This frameshift variant replaces the typical last 58 amino acid residues in the STX11 protein with 124 different amino acid residues. This alteration may interfere with the proper formation and/or function of the STX11 protein. The c.687dupG variant is not observed in large population cohorts (Lek et al., 2016). We interpret c.687dupG as a pathogenic variant.